The following is an entry in ClinVar:

ClinVar aggregate classification (germline): Likely benign (0 of 4 stars; one submission).

Conditions:
IRS1-related disorder. Also called: IRS1-related condition.

Allele frequency attached by ClinVar (database versions not stated): TOPMed 0.00003; ExAC 0.00005; gnomAD exomes 0.00005; gnomAD 0.00007; 1000 Genomes Project 30x 0.00016; 1000 Genomes Project 0.00020.
gnomAD v4.1: 80 of 1,613,890 alleles (0.005%); highest among the groups gnomAD compares: East Asian, 0.011%; no homozygotes.

Submission:

PreventionGenetics, part of Exact Sciences
Classification: Likely benign for IRS1-related condition. Last evaluated: 2019-07-10. Review status: no assertion criteria provided. Collection method: clinical testing. Allele origin: germline.
Comment: This variant is classified as likely benign based on ACMG/AMP sequence variant interpretation guidelines (Richards et al. 2015 PMID: 25741868, with internal and published modifications).

NM_005544.3(IRS1):c.2064C>T (p.Ala688=)

Gene: IRS1 (insulin receptor substrate 1; minus strand). Cytogenetic location: 2q36.3.
Variant type: single nucleotide variant.
Coding change: c.2064C>T on transcript NM_005544.3 (MANE Select); coding-DNA position 2064, C replaced by T.
Protein change: p.Ala688=; no amino-acid change (alanine 688 retained).
Molecular consequence: synonymous variant.
Genome position (GRCh38, 1-based): chr2:226,796,675, G>A on the plus strand (C>T on the coding strand, the complement: IRS1 is on the minus strand). VCF-style: chr2-226796675-G-A. GRCh37 (hg19) VCF-style: chr2-227661391-G-A.
Identifiers: ClinVar variation 3049392 (VCV003049392.2), dbSNP rs200698564, ClinGen allele CA2143187.